The following is an entry in ClinVar:

ClinVar aggregate classification (germline): Uncertain significance. Review status: criteria provided, multiple submitters, no conflicts (2 of 4 stars). 4 submissions from 4 submitters: Uncertain significance (3). 1 of the submissions does not count toward it. Last evaluated 2025-01-20.

Conditions:
Fumarase deficiency (FMRD). Also called: Fumaric aciduria; Fumarate Hydratase Deficiency. Identifiers: Orphanet 24, MedGen C0342770, MONDO:0011730, OMIM 606812.
Hereditary cancer-predisposing syndrome. Also called: Hereditary neoplastic syndrome; Neoplastic Syndromes, Hereditary; Hereditary Cancer Syndrome; Tumor predisposition. Identifiers: Orphanet 140162, MedGen C0027672, MeSH D009386, MONDO:0015356.
Hereditary leiomyomatosis and renal cell cancer. Also called: LEIOMYOMA, MULTIPLE CUTANEOUS; Familial leiomyomatosis; MULTIPLE CUTANEOUS AND UTERINE LEIOMYOMATA 1, WITH OR WITHOUT RENAL CELL CARCINOMA; Multiple cutaneous leiomyomas; FH tumor predisposition syndrome; Reed syndrome. Identifiers: Orphanet 523, MedGen C1708350, MONDO:0007888, OMIM 150800, HP:0007437. Disease mechanism: loss of function.

Allele frequency attached by ClinVar (database versions not stated): TOPMed below 0.00001.
gnomAD v4.1: 1 of 1,608,580 alleles (0.000062%); highest among the groups gnomAD compares: Non-Finnish European, 0.000085%; no homozygotes.

Submissions (4):

Labcorp Genetics (formerly Invitae), Labcorp
Classification: Uncertain significance. Last evaluated: 2025-01-20. Review status: criteria provided, single submitter. Criteria: Invitae Variant Classification Sherloc (09022015). Collection method: clinical testing. Allele origin: germline.
Comment: This sequence change replaces arginine, which is basic and polar, with methionine, which is neutral and non-polar, at codon 421 of the FH protein (p.Arg421Met). This variant is not present in population databases (gnomAD no frequency). This variant has not been reported in the literature in individuals affected with FH-related conditions. ClinVar contains an entry for this variant (Variation ID: 950816). Invitae Evidence Modeling of protein sequence and biophysical properties (such as structural, functional, and spatial information, amino acid conservation, physicochemical variation, residue mobility, and thermodynamic stability) indicates that this missense variant is expected to disrupt FH protein function with a positive predictive value of 95%. In summary, the available evidence is currently insufficient to determine the role of this variant in disease. Therefore, it has been classified as a Variant of Uncertain Significance.

Ambry Genetics
Classification: Uncertain significance for Hereditary cancer-predisposing syndrome. Last evaluated: 2024-09-12. Review status: criteria provided, single submitter. Criteria: Ambry Variant Classification Scheme 2023. Collection method: clinical testing. Allele origin: germline.
Comment: The p.R421M variant (also known as c.1262G>T), located in coding exon 9 of the FH gene, results from a G to T substitution at nucleotide position 1262. The arginine at codon 421 is replaced by methionine, an amino acid with similar properties. This amino acid position is well conserved in available vertebrate species. In addition, this alteration is predicted to be deleterious by in silico analysis. Since supporting evidence is limited at this time, the clinical significance of this alteration remains unclear.

Department of Pathology and Laboratory Medicine, Sinai Health System
Classification: Uncertain significance for Hereditary leiomyomatosis and renal cell cancer; Fumarase deficiency. Last evaluated: 2021-08-04. Review status: criteria provided, single submitter. Criteria: ACMG Guidelines, 2015. Collection method: clinical testing. Allele origin: germline. Affected: yes.

Natera, Inc.
Classification: Uncertain significance for Fumarase Deficiency. Last evaluated: 2020-03-20. Review status: no assertion criteria provided. Collection method: clinical testing. Allele origin: germline. Not counted in ClinVar's aggregate classification.

NM_000143.4(FH):c.1262G>T (p.Arg421Met)

Gene: FH (fumarate hydratase; minus strand). Cytogenetic location: 1q43.
Variant type: single nucleotide variant.
Coding change: c.1262G>T on transcript NM_000143.4 (MANE Select); coding-DNA position 1262, G replaced by T.
Protein change: p.Arg421Met; replaces arginine 421 with methionine.
Molecular consequence: missense variant.
Genome position (GRCh38, 1-based): chr1:241,500,565, C>A on the plus strand (G>T on the coding strand, the complement: FH is on the minus strand). VCF-style: chr1-241500565-C-A. GRCh37 (hg19) VCF-style: chr1-241663865-C-A.
Other names: short protein forms R421M.
Identifiers: ClinVar variation 950816 (VCV000950816.17), dbSNP rs1659747962, ClinGen allele CA345436853.
Genomic context (GRCh38, chr1:241,500,565, plus strand): 5'-TTGGCCTGGATTCCCACCACGCAGTTTTCTGTAAAGGAAACTGAAGCATCCCCCAGCAGC[C>A]TGGCTGAGTGTAACACATTTTTAATCTTTGAGTGAGTGAGAGAGAGAGAGAGAGAGAGAG-3'
Protein context (NP_000134.2, residues 411-431): MMIKNVLHSA[Arg421Met]LLGDASVSFT